The following is an entry in ClinVar:

NM_001048174.2(MUTYH):c.220A>G (p.Ser74Gly)

Gene: MUTYH (mutY DNA glycosylase; minus strand). Cytogenetic location: 1p34.1.
Variant type: single nucleotide variant.
Coding change: c.220A>G on transcript NM_001048174.2 (MANE Select); coding-DNA position 220, A replaced by G.
Protein change: p.Ser74Gly; replaces serine 74 with glycine.
Molecular consequence: missense variant. On other transcripts: 5 prime UTR variant (6), non-coding transcript variant (7).
Genome position (GRCh38, 1-based): chr1:45,333,457, T>C on the plus strand (A>G on the coding strand, the complement: MUTYH is on the minus strand). VCF-style: chr1-45333457-T-C. GRCh37 (hg19) VCF-style: chr1-45799129-T-C.
Other names: c.220A>G, p.Ser74Gly (NM_001048171.2, NM_001048173.2, NM_001293195.2 and 6 more transcripts); c.223A>G, p.Ser75Gly (NM_001048172.2, NM_001407071.1, NM_001407078.1 and 2 more transcripts); c.304A>G, p.Ser102Gly (NM_001128425.2); c.265A>G, p.Ser89Gly (NM_001293190.2); c.253A>G, p.Ser85Gly (NM_001293191.2, NM_001407077.1); c.-57A>G (NM_001293192.2, NM_001293196.2, NM_001407091.1); c.-52A>G (NM_001350650.2, NM_001350651.2, NM_001407082.1); c.295A>G, p.Ser99Gly (NM_001407069.1, NM_012222.3); and 3 more; short protein forms S74G, S99G, S46G, S75G, S102G, S88G, S89G, S81G.
Identifiers: ClinVar variation 4113590 (VCV004113590.1).

ClinVar aggregate classification (germline): Uncertain significance (1 of 4 stars; one submission).

Conditions:
Hereditary cancer-predisposing syndrome. Also called: Hereditary neoplastic syndrome; Neoplastic Syndromes, Hereditary; Tumor predisposition; Hereditary Cancer Syndrome. Identifiers: Orphanet 140162, MedGen C0027672, MeSH D009386, MONDO:0015356.

Submission:

Ambry Genetics
Classification: Uncertain significance for Hereditary cancer-predisposing syndrome. Last evaluated: 2025-08-27. Review status: criteria provided, single submitter. Criteria: Ambry Variant Classification Scheme 2023. Collection method: clinical testing. Allele origin: germline.
Comment: The p.S102G variant (also known as c.304A>G), located in coding exon 3 of the MUTYH gene, results from an A to G substitution at nucleotide position 304. The serine at codon 102 is replaced by glycine, an amino acid with similar properties. This amino acid position is conserved. In addition, this alteration is predicted to be tolerated by in silico analysis. Based on the available evidence, the clinical significance of this variant remains unclear.